The following is an entry in ClinVar:

NM_001252024.2(TRPM1):c.2025C>T (p.Ala675=)

Gene: TRPM1 (transient receptor potential cation channel subfamily M member 1; minus strand). Cytogenetic location: 15q13.3.
Variant type: single nucleotide variant.
Coding change: c.2025C>T on transcript NM_001252024.2 (MANE Select); coding-DNA position 2025, C replaced by T.
Protein change: p.Ala675=; no amino-acid change (alanine 675 retained).
Molecular consequence: synonymous variant.
Genome position (GRCh38, 1-based): chr15:31,042,013, G>A on the plus strand (C>T on the coding strand, the complement: TRPM1 is on the minus strand). VCF-style: chr15-31042013-G-A. GRCh37 (hg19) VCF-style: chr15-31334216-G-A.
Other names: c.2076C>T, p.Ala692= (NM_001252020.2); c.1959C>T, p.Ala653= (NM_002420.6); c.2076C>T (NM_001252020.1).
Identifiers: ClinVar variation 1104432 (VCV001104432.10), dbSNP rs201065777, ClinGen allele CA7452349.
Genomic context (GRCh38, chr15:31,042,013, plus strand): 5'-GGAATTGTTATCCAAGTCCTGGGAGATGTCATCCACCAGATCACTCTCGGAGGACTCGTG[G>A]GCCATGGCCTTGTAGAGCTTGCAGGCCACCAGGGCCTTGGCCATGCTCTCTTCCCCTCGC-3'
Protein context (NP_001238953.1, residues 665-685): LVACKLYKAM[Ala675=]HESSESDLVD

ClinVar aggregate classification (germline): Likely benign. Review status: criteria provided, multiple submitters, no conflicts (2 of 4 stars). 2 submissions from 2 submitters: Likely benign (2). Last evaluated 2025-09-16.

Conditions:
TRPM1-related disorder. Also called: TRPM1-related condition.

Allele frequency attached by ClinVar (database versions not stated): ExAC 0.00003; gnomAD exomes 0.00005 and 0.00016; gnomAD 0.00007 and 0.00008; TOPMed 0.00009; ESP Exome Variant Server 0.00015.
gnomAD v4.1: 243 of 1,613,986 alleles (0.015%); highest among the groups gnomAD compares: Non-Finnish European, 0.019%; no homozygotes.

Submissions (2):

Labcorp Genetics (formerly Invitae), Labcorp
Classification: Likely benign. Last evaluated: 2025-09-16. Review status: criteria provided, single submitter. Criteria: Invitae Variant Classification Sherloc (09022015). Collection method: clinical testing. Allele origin: germline.

PreventionGenetics, part of Exact Sciences
Classification: Likely benign for TRPM1-related condition. Last evaluated: 2025-01-21. Review status: criteria provided, single submitter. Criteria: ACMG Guidelines, 2015. Collection method: clinical testing. Allele origin: germline.
Comment: This variant is classified as likely benign based on ACMG/AMP sequence variant interpretation guidelines (Richards et al. 2015 PMID: 25741868, with internal and published modifications).